The following is an entry in ClinVar:

ClinVar aggregate classification (germline): Uncertain significance (1 of 4 stars; one submission).

Conditions:
Hypercholesterolemia, familial, 4 (FHCL4). Also called: HYPERCHOLESTEROLEMIA, AUTOSOMAL RECESSIVE, 1; HYPERCHOLESTEROLEMIA, AUTOSOMAL RECESSIVE, 2. Identifiers: Orphanet 391665, MedGen C1863512, MONDO:0011374, OMIM 603813.

Allele frequency attached by ClinVar (database versions not stated): gnomAD exomes below 0.00001; TOPMed below 0.00001.
gnomAD v4.1: 2 of 1,614,106 alleles (0.00012%); highest among the groups gnomAD compares: Non-Finnish European, 0.000085%; no homozygotes.

Submission:

Labcorp Genetics (formerly Invitae), Labcorp
Classification: Uncertain significance for Hypercholesterolemia, familial, 4. Last evaluated: 2022-04-06. Review status: criteria provided, single submitter. Criteria: Invitae Variant Classification Sherloc (09022015). Collection method: clinical testing. Allele origin: germline.
Comment: This sequence change replaces methionine, which is neutral and non-polar, with valine, which is neutral and non-polar, at codon 55 of the LDLRAP1 protein (p.Met55Val). This variant is present in population databases (no rsID available, gnomAD 0.004%). This variant has not been reported in the literature in individuals affected with LDLRAP1-related conditions. Algorithms developed to predict the effect of missense changes on protein structure and function are either unavailable or do not agree on the potential impact of this missense change (SIFT: "Deleterious"; PolyPhen-2: "Benign"; Align-GVGD: "Class C0"). In summary, the available evidence is currently insufficient to determine the role of this variant in disease. Therefore, it has been classified as a Variant of Uncertain Significance.

NM_015627.3(LDLRAP1):c.163A>G (p.Met55Val)

Gene: LDLRAP1 (low density lipoprotein receptor adaptor protein 1; plus strand). Cytogenetic location: 1p36.11.
Variant type: single nucleotide variant.
Coding change: c.163A>G on transcript NM_015627.3 (MANE Select); coding-DNA position 163, A replaced by G.
Protein change: p.Met55Val; replaces methionine 55 with valine.
Molecular consequence: missense variant.
Genome position (GRCh38, 1-based): chr1:25,553,996, A>G. VCF-style: chr1-25553996-A-G. GRCh37 (hg19) VCF-style: chr1-25880487-A-G.
Other names: short protein forms M55V.
Identifiers: ClinVar variation 1936852 (VCV001936852.2), dbSNP rs1225714289, ClinGen allele CA339077739.
Genomic context (GRCh38, chr1:25,553,996, plus strand): 5'-TGGACAGACACGCGGGAGACGCTGCTGGAGGGGATGCTGTTCAGCCTCAAGTACCTGGGC[A>G]TGACGCTAGTGGAGCAGCCCAAGGGTGAGGAGCTGTCGGCCGCCGCCATCAAGAGGATCG-3'
Protein context (NP_056442.2, residues 45-65): GMLFSLKYLG[Met55Val]TLVEQPKGEE